The following is an entry in ClinVar:

NM_000268.4(NF2):c.1658A>C (p.Glu553Ala)

Gene: NF2 (NF2, moesin-ezrin-radixin like (MERLIN) tumor suppressor; plus strand). Cytogenetic location: 22q12.2.
Variant type: single nucleotide variant.
Coding change: c.1658A>C on transcript NM_000268.4 (MANE Select); coding-DNA position 1658, A replaced by C.
Protein change: p.Glu553Ala; replaces glutamic acid 553 with alanine.
Molecular consequence: missense variant. On other transcripts: intron variant (3).
Genome position (GRCh38, 1-based): chr22:29,681,522, A>C. VCF-style: chr22-29681522-A-C. GRCh37 (hg19) VCF-style: chr22-30077511-A-C.
Other names: c.1544A>C, p.Glu515Ala (NM_001407053.1, NM_001407056.1); c.1535A>C, p.Glu512Ala (NM_001407054.1, NM_001407058.1, NM_181829.3); c.1532A>C, p.Glu511Ala (NM_001407055.1, NM_181828.3); c.1523A>C, p.Glu508Ala (NM_001407057.1, NM_001407059.1); c.1400A>C, p.Glu467Ala (NM_001407062.1); c.1409A>C, p.Glu470Ala (NM_001407063.1, NM_181830.3, NM_181831.3); c.1124A>C, p.Glu375Ala (NM_001407065.1); c.1658A>C, p.Glu553Ala (NM_001407066.1, NM_016418.5, NM_181825.3 and 1 more transcripts); and 4 more; short protein forms E467A, E515A, E553A, E476A, E512A, E470A, E375A, E508A.
Identifiers: ClinVar variation 2879596 (VCV002879596.4), dbSNP rs2147123000, ClinGen allele CA411150220.

ClinVar aggregate classification (germline): Uncertain significance. Review status: criteria provided, multiple submitters, no conflicts (2 of 4 stars). 2 submissions from 2 submitters: Uncertain significance (2). Last evaluated 2025-10-22.

Conditions:
Hereditary cancer-predisposing syndrome. Also called: Tumor predisposition; Hereditary neoplastic syndrome; Hereditary Cancer Syndrome; Neoplastic Syndromes, Hereditary. Identifiers: Orphanet 140162, MedGen C0027672, MeSH D009386, MONDO:0015356.
Neurofibromatosis, type 2 (SWNV). Also called: BILATERAL ACOUSTIC NEUROFIBROMATOSIS; NF2-Related Schwannomatosis; SCHWANNOMATOSIS, VESTIBULAR. Identifiers: Orphanet 637, MedGen C0027832, MONDO:0007039, OMIM 101000. Disease mechanism: loss of function.

Submissions (2):

Ambry Genetics
Classification: Uncertain significance for Hereditary cancer-predisposing syndrome. Last evaluated: 2025-10-22. Review status: criteria provided, single submitter. Criteria: Ambry Variant Classification Scheme 2023. Collection method: clinical testing. Allele origin: germline.
Comment: The p.E553A variant (also known as c.1658A>C), located in coding exon 15 of the NF2 gene, results from an A to C substitution at nucleotide position 1658. The glutamic acid at codon 553 is replaced by alanine, an amino acid with dissimilar properties. This amino acid position is conserved. In addition, this alteration is predicted to be deleterious by in silico analysis. Based on the available evidence, the clinical significance of this variant remains unclear.

Labcorp Genetics (formerly Invitae), Labcorp
Classification: Uncertain significance for Neurofibromatosis, type 2. Last evaluated: 2024-07-15. Review status: criteria provided, single submitter. Criteria: Invitae Variant Classification Sherloc (09022015). Collection method: clinical testing. Allele origin: germline.
Comment: This sequence change replaces glutamic acid, which is acidic and polar, with alanine, which is neutral and non-polar, at codon 553 of the NF2 protein (p.Glu553Ala). This variant is not present in population databases (gnomAD no frequency). This variant has not been reported in the literature in individuals affected with NF2-related conditions. Advanced modeling of protein sequence and biophysical properties (such as structural, functional, and spatial information, amino acid conservation, physicochemical variation, residue mobility, and thermodynamic stability) performed at Invitae indicates that this missense variant is not expected to disrupt NF2 protein function with a negative predictive value of 80%. In summary, the available evidence is currently insufficient to determine the role of this variant in disease. Therefore, it has been classified as a Variant of Uncertain Significance.